The following is an entry in ClinVar:

ClinVar aggregate classification (germline): Pathogenic/Likely pathogenic. Review status: criteria provided, multiple submitters, no conflicts (2 of 4 stars). 3 submissions from 3 submitters: Pathogenic (1); Likely pathogenic (2). Last evaluated 2026-01-08.

Conditions:
Familial thoracic aortic aneurysm and aortic dissection (TAAD). Also called: Thoracic aortic aneurysms and dissections. Identifiers: Orphanet 91387, MedGen C4707243, MONDO:0019625.
Marfan syndrome (MFS). Also called: Marfan syndrome type 1; Marfan's syndrome; MARFAN SYNDROME, TYPE I; Marfan syndrome, classic; FBN1-Related Marfan Syndrome. Identifiers: Orphanet 284963, Orphanet 558, MedGen C0024796, MONDO:0007947, OMIM 154700.

Submissions (3):

3billion
Classification: Likely pathogenic for Marfan syndrome. Last evaluated: 2026-01-08. Review status: criteria provided, single submitter. Criteria: ACMG Guidelines, 2015. Collection method: clinical testing. Allele origin: germline. Affected: yes.
Comment: The variant is not observed in the gnomAD v4.1.0 dataset. Predicted Consequence/Location: Missense variant In silico tool predictions suggest damaging effect of the variant on gene or gene product [REVEL: 0.92 (>=0.6, sensitivity 0.68 and specificity 0.92)]. The same nucleotide change resulting in the same amino acid change has been previously reported as pathogenic/likely pathogenic with strong evidence (ClinVar ID: VCV000265347 /PMID: 27906200). Different missense changes at the same codon (p.Cys1278Ser, p.Cys1278Tyr) have been reported as pathogenic/likely pathogenic with strong evidence (ClinVar ID: VCV001735367, VCV002098867 /PMID: 16222657, 32431097). Therefore, this variant is classified as Likely pathogenic according to the recommendation of ACMG/AMP guideline.

Ambry Genetics
Classification: Likely pathogenic for Familial thoracic aortic aneurysm and aortic dissection. Last evaluated: 2018-11-29. Review status: criteria provided, single submitter. Criteria: Ambry Variant Classification Scheme 2023. Collection method: clinical testing. Allele origin: germline.
Comment: The p.C1278W variant (also known as c.3834T>G), located in coding exon 30 of the FBN1 gene, results from a T to G substitution at nucleotide position 3834. The cysteine at codon 1278 is replaced by tryptophan, an amino acid with highly dissimilar properties, and is located in the cbEGF-like #16 domain. This variant has been detected in association with Marfan syndrome or related features; however, clinical details were limited (Groth KA. Genet. Med. 2017 07;19(7):772-777). Another variant affecting this codon has been reported in a patient with aortic root dilation, mitral valve prolapse, ectopia lentis, and skeletal system involvement (Arbustini E et al. Hum. Mutat., 2005 Nov;26:494). Based on internal structural assessment, this alteration eliminates a structurally critical disulfide in the structurally sensitive cbEGF-like #16 domain. This amino acid position is highly conserved in available vertebrate species. In addition, this alteration is predicted to be deleterious by in silico analysis. Based on the majority of available evidence to date, this variant is likely to be pathogenic.

GeneDx
Classification: Pathogenic. Last evaluated: 2016-08-05. Review status: criteria provided, single submitter. Criteria: GeneDx Variant Classification (06012015). Collection method: clinical testing. Allele origin: germline. Affected: yes.
Comment: The C1278W pathogenic variant in the FBN1 gene has not been reported previously as a pathogenic variant nor as a benign variant, to our knowledge. However, C1278W has been documented in the UMD-FBN1 mutations database in an individual with classic Marfan syndrome (Collod-Beroud et al., 2003). Additionally, a missense variant at this same codon (C1278S), as well as missense variants in neighboring codons (N1282S, E1283A, C1284R/G/Y) have been reported in the Human Gene Mutation Database in association with Marfan Syndrome (Stenson et al., 2014). The C1278W variant was not observed in approximately 6500 individuals of European and African American ancestry in the NHLBI Exome Sequencing Project, indicating it is not a common benign variant in these populations. The C1278W variant is a nonconservative amino acid substitution, which is likely to impact secondary protein structure as these residues differ in polarity, charge, size and/or other properties. This substitution occurs at a position that is conserved across species. In silico analysis predicts this variant is probably damaging to the roteinstructure/function. Therefore, we interpret C1278W as a pathogenic variant.

Literature cited by the submitters: PubMed 27906200 (cited by 3billion and Ambry Genetics); PubMed 16222657 (cited by 3billion and Ambry Genetics).

NM_000138.5(FBN1):c.3834T>G (p.Cys1278Trp)

Gene: FBN1 (fibrillin 1; minus strand). Cytogenetic location: 15q21.1.
Variant type: single nucleotide variant.
Coding change: c.3834T>G on transcript NM_000138.5 (MANE Select); coding-DNA position 3834, T replaced by G.
Protein change: p.Cys1278Trp; replaces cysteine 1278 with tryptophan.
Molecular consequence: missense variant.
Genome position (GRCh38, 1-based): chr15:48,483,822, A>C on the plus strand (T>G on the coding strand, the complement: FBN1 is on the minus strand). VCF-style: chr15-48483822-A-C. GRCh37 (hg19) VCF-style: chr15-48776019-A-C.
Other names: short protein forms C1278W.
Identifiers: ClinVar variation 265347 (VCV000265347.5), dbSNP rs886039492, ClinGen allele CA10588585.